The following is an entry in ClinVar:

ClinVar aggregate classification (germline): Uncertain significance (1 of 4 stars; one submission).

Allele frequency attached by ClinVar (database versions not stated): gnomAD exomes below 0.00001; TOPMed 0.00001.
gnomAD v4.1: 1 of 1,613,912 alleles (0.000062%); highest among the groups gnomAD compares: Non-Finnish European, 0.000085%; no homozygotes.

Submission:

GeneDx
Classification: Uncertain significance. Last evaluated: 2022-03-05. Review status: criteria provided, single submitter. Criteria: GeneDx Variant Classification Process June 2021. Collection method: clinical testing. Allele origin: germline. Affected: yes.
Comment: Not observed at significant frequency in large population cohorts (gnomAD); In silico analysis supports that this missense variant does not alter protein structure/function; Has not been previously published as pathogenic or benign to our knowledge

NM_021224.6(ZNF462):c.3622G>A (p.Val1208Ile)

Gene: ZNF462 (zinc finger protein 462; plus strand). Cytogenetic location: 9q31.2.
Variant type: single nucleotide variant.
Coding change: c.3622G>A on transcript NM_021224.6 (MANE Select); coding-DNA position 3622, G replaced by A.
Protein change: p.Val1208Ile; replaces valine 1208 with isoleucine.
Molecular consequence: missense variant. On other transcripts: intron variant (1).
Genome position (GRCh38, 1-based): chr9:106,927,534, G>A. VCF-style: chr9-106927534-G-A. GRCh37 (hg19) VCF-style: chr9-109689815-G-A.
Other names: c.3252+370G>A (NM_001347997.2); short protein forms V1208I.
Identifiers: ClinVar variation 1704127 (VCV001704127.2), dbSNP rs1370377278, ClinGen allele CA374403922.